The following is an entry in ClinVar:

NM_001199753.2(CPT1C):c.1601C>A (p.Ala534Asp)

Gene: CPT1C (carnitine palmitoyltransferase 1C; plus strand). Cytogenetic location: 19q13.33.
Variant type: single nucleotide variant.
Coding change: c.1601C>A on transcript NM_001199753.2 (MANE Select); coding-DNA position 1601, C replaced by A.
Protein change: p.Ala534Asp; replaces alanine 534 with aspartic acid.
Molecular consequence: missense variant. On other transcripts: non-coding transcript variant (1).
Genome position (GRCh38, 1-based): chr19:49,710,354, C>A. VCF-style: chr19-49710354-C-A. GRCh37 (hg19) VCF-style: chr19-50213611-C-A.
Other names: c.1568C>A, p.Ala523Asp (NM_001136052.3, NM_001378485.1, NM_001378487.1); c.1601C>A, p.Ala534Asp (NM_001199752.3, NM_001378483.1, NM_001378484.1 and 3 more transcripts); c.1667C>A, p.Ala556Asp (NM_001378482.1); short protein forms A534D, A523D, A556D.
Identifiers: ClinVar variation 2041655 (VCV002041655.4), dbSNP rs1024513887, ClinGen allele CA309517346.
Genomic context (GRCh38, chr19:49,710,354, plus strand): 5'-ACTCCTCTTCCCTCCTCCTCTGGCAGATCCACTCCTCCATCTCTCTAGCCCTGAGGGGAG[C>A]CAAGATCTTGTCTGAAAATGTCGACTGCCATGTCGTTCCATTCTCCCTATTTGGCAAGAG-3'
Protein context (NP_001186682.1, residues 524-544): HSSISLALRG[Ala534Asp]KILSENVDCH

ClinVar aggregate classification (germline): Uncertain significance (1 of 4 stars; one submission).

Conditions:
Hereditary spastic paraplegia 73. Also called: Spastic paraplegia 73, autosomal dominant. Identifiers: Orphanet 444099, MedGen C5568981, MONDO:0014568, OMIM 616282.

Allele frequency attached by ClinVar (database versions not stated): gnomAD exomes 0.00001; gnomAD 0.00001.
gnomAD v4.1: 11 of 1,614,078 alleles (0.00068%); highest among the groups gnomAD compares: Non-Finnish European, 0.00093%; no homozygotes.

Submission:

Labcorp Genetics (formerly Invitae), Labcorp
Classification: Uncertain significance for Hereditary spastic paraplegia 73. Last evaluated: 2022-03-26. Review status: criteria provided, single submitter. Criteria: Invitae Variant Classification Sherloc (09022015). Collection method: clinical testing. Allele origin: germline.
Comment: This variant is not present in population databases (gnomAD no frequency). In summary, the available evidence is currently insufficient to determine the role of this variant in disease. Therefore, it has been classified as a Variant of Uncertain Significance. Algorithms developed to predict the effect of missense changes on protein structure and function are either unavailable or do not agree on the potential impact of this missense change (SIFT: "Tolerated"; PolyPhen-2: "Probably Damaging"; Align-GVGD: "Class C0"). This variant has not been reported in the literature in individuals affected with CPT1C-related conditions. This sequence change replaces alanine, which is neutral and non-polar, with aspartic acid, which is acidic and polar, at codon 523 of the CPT1C protein (p.Ala523Asp).